The following is an entry in ClinVar:

NM_014946.4(SPAST):c.1729-781G>T

Gene: SPAST (spastin; plus strand). Cytogenetic location: 2p22.3.
Variant type: single nucleotide variant.
Coding change: c.1729-781G>T on transcript NM_014946.4 (MANE Select); 781 bases into the intron before coding-DNA position 1729, G replaced by T.
Molecular consequence: intron variant.
Genome position (GRCh38, 1-based): chr2:32,153,593, G>T. VCF-style: chr2-32153593-G-T. GRCh37 (hg19) VCF-style: chr2-32378662-G-T.
Other names: c.1726-781G>T (NM_001363823.2); c.1630-781G>T (NM_001363875.2); c.1633-781G>T (NM_199436.2); c.*2-781G>T (NM_001377959.1).
Identifiers: ClinVar variation 2650806 (VCV002650806.24), dbSNP rs560872797, ClinGen allele CA44763170.

ClinVar aggregate classification (germline): Benign (1 of 4 stars; one submission).

Allele frequency attached by ClinVar (database versions not stated): 1000 Genomes Project 0.00020; 1000 Genomes Project 30x 0.00078; TOPMed 0.00123.
gnomAD v4.1: 176 of 151,954 alleles (0.12%); highest among the groups gnomAD compares: Admixed American, 0.24%; no homozygotes.

Submission:

CeGaT Center for Human Genetics Tuebingen
Classification: Benign. Last evaluated: 2022-04-01. Review status: criteria provided, single submitter. Criteria: CeGaT Center For Human Genetics Tuebingen Variant Classification Criteria Version 2. Collection method: clinical testing. Allele origin: germline. Affected: yes. Observed: 1 variant allele.
Comment: SPAST: BS1, BS2